The following is an entry in ClinVar:

NM_000334.4(SCN4A):c.2095G>A (p.Ala699Thr)

Genes: GH-LCR (growth hormone locus control region; plus strand), SCN4A (sodium voltage-gated channel alpha subunit 4; minus strand). Cytogenetic location: 17q23.3.
Variant type: single nucleotide variant.
Coding change: c.2095G>A on transcript NM_000334.4 (MANE Select); coding-DNA position 2095, G replaced by A.
Protein change: p.Ala699Thr; replaces alanine 699 with threonine.
Molecular consequence: missense variant.
Genome position (GRCh38, 1-based): chr17:63,957,443, C>T on the plus strand (G>A on the coding strand, the complement: SCN4A is on the minus strand). VCF-style: chr17-63957443-C-T. GRCh37 (hg19) VCF-style: chr17-62034803-C-T.
Other names: short protein forms A699T.
Identifiers: ClinVar variation 374058 (VCV000374058.26), dbSNP rs1057518865, ClinGen allele CA16043536.

ClinVar aggregate classification (germline): Conflicting classifications of pathogenicity. Review status: criteria provided, conflicting classifications (1 of 4 stars). 7 submissions from 6 submitters: Pathogenic (2); Likely pathogenic (3); Uncertain significance (2). Last evaluated 2024-12-23.

Conditions:
Hyperkalemic periodic paralysis. Also called: Familial hyperkalemic periodic paralysis; Gamstorp disease. Identifiers: Orphanet 682, MedGen C0238357, MONDO:0008224, OMIM 170500, HP:0007215.
Handgrip myotonia. Identifiers: MedGen C1868623, HP:0012899.
Myotonia. Identifiers: MedGen C0700153, HP:0002486.

Allele frequency attached by ClinVar (database versions not stated): gnomAD exomes below 0.00001.
gnomAD v4.1: 2 of 1,614,024 alleles (0.00012%); highest among the groups gnomAD compares: Non-Finnish European, 0.00017%; no homozygotes.

Submissions (7):

Labcorp Genetics (formerly Invitae), Labcorp
Classification: Likely pathogenic for Hyperkalemic periodic paralysis. Last evaluated: 2024-12-23. Review status: criteria provided, single submitter. Criteria: Invitae Variant Classification Sherloc (09022015). Collection method: clinical testing. Allele origin: germline.
Comment: This sequence change replaces alanine, which is neutral and non-polar, with threonine, which is neutral and polar, at codon 699 of the SCN4A protein (p.Ala699Thr). This variant is not present in population databases (gnomAD no frequency). This missense change has been observed in individuals with paramyotonia congenita (PMID: 27922499, 32660787, 32849172; internal data). ClinVar contains an entry for this variant (Variation ID: 374058). Invitae Evidence Modeling of protein sequence and biophysical properties (such as structural, functional, and spatial information, amino acid conservation, physicochemical variation, residue mobility, and thermodynamic stability) has been performed for this missense variant. However, the output from this modeling did not meet the statistical confidence thresholds required to predict the impact of this variant on SCN4A protein function. In summary, the currently available evidence indicates that the variant is pathogenic, but additional data are needed to prove that conclusively. Therefore, this variant has been classified as Likely Pathogenic.

GeneDx
Classification: Uncertain significance. Last evaluated: 2024-06-24. Review status: criteria provided, single submitter. Criteria: GeneDx Variant Classification Process June 2021. Collection method: clinical testing. Allele origin: germline. Affected: yes.
Comment: Observed in multiple individuals with myotonia (Bugiardini et al., 2015 [Abstract]; Leonardis et al., 2008 [Abstract]); Not observed at significant frequency in large population cohorts (gnomAD); In silico analysis supports that this missense variant has a deleterious effect on protein structure/function; This variant is associated with the following publications: (PMID: 32849172, 32660787, 33573884, 27922499)

Athena Diagnostics
Classification: Likely pathogenic. Last evaluated: 2021-10-26. Review status: criteria provided, single submitter. Criteria: Athena Diagnostics Criteria. Collection method: clinical testing. Allele origin: unknown.
Comment: This variant has not been reported in large, multi-ethnic general populations. This variant has been identified in multiple unrelated individuals with clinical features associated with this gene. Computational tools predict that this variant is damaging.

Mayo Clinic Laboratories, Mayo Clinic
Classification: Likely pathogenic. Last evaluated: 2021-07-29. Review status: criteria provided, single submitter. Criteria: ACMG Guidelines, 2015. Collection method: clinical testing. Allele origin: germline.
Comment: PP3, PP4, PM1, PM2, PS4_moderate

Revvity Omics, Revvity
Classification: Uncertain significance. Last evaluated: 2020-09-04. Review status: criteria provided, single submitter. Criteria: ACMG Guidelines, 2015. Collection method: clinical testing. Allele origin: germline.

Centre for Mendelian Genomics, University Medical Centre Ljubljana
Classification: Pathogenic for Hyperkalemic periodic paralysis. Last evaluated: 2016-01-01. Review status: criteria provided, single submitter. Criteria: ACMG Guidelines, 2015. Collection method: clinical testing. Allele origin: unknown. Affected: yes.
Comment: This variant was classified as: Pathogenic.

Centre for Mendelian Genomics, University Medical Centre Ljubljana
Classification: Pathogenic for Handgrip myotonia; Myotonia. Last evaluated: 2015-10-09. Review status: criteria provided, single submitter. Criteria: ACMG Guidelines, 2015. Collection method: clinical testing. Allele origin: unknown. Affected: yes.

Literature cited by the submitters: PubMed 27922499 (cited by Labcorp Genetics (formerly Invitae), Labcorp and Athena Diagnostics); PubMed 32660787 (cited by 3 submitters); PubMed 32849172 (cited by 3 submitters); PubMed 33573884 (cited by Mayo Clinic Laboratories, Mayo Clinic).